The following is an entry in ClinVar:

NM_002618.4(PEX13):c.119T>C (p.Met40Thr)

Gene: PEX13 (peroxisomal biogenesis factor 13; plus strand). Cytogenetic location: 2p15.
Variant type: single nucleotide variant.
Coding change: c.119T>C on transcript NM_002618.4 (MANE Select); coding-DNA position 119, T replaced by C.
Protein change: p.Met40Thr; replaces methionine 40 with threonine.
Molecular consequence: missense variant.
Genome position (GRCh38, 1-based): chr2:61,031,445, T>C. VCF-style: chr2-61031445-T-C. GRCh37 (hg19) VCF-style: chr2-61258580-T-C.
Other names: short protein forms M40T.
Identifiers: ClinVar variation 1992568 (VCV001992568.4), dbSNP rs751987006, ClinGen allele CA346940980.
Genomic context (GRCh38, chr2:61,031,445, plus strand): 5'-TTAAATAACTGTTTTGAATCTTTTTTGGTTTTAGATCTGCTGATTTGGGTCCTACTTTAA[T>C]GACAAGACCTGGACAACCAGCACTTACCAGAGTGCCCCCACCTATTCTTCCAAGGCCATC-3'
Protein context (NP_002609.1, residues 30-50): FQSADLGPTL[Met40Thr]TRPGQPALTR

ClinVar aggregate classification (germline): Uncertain significance (1 of 4 stars; one submission).

Conditions:
Peroxisome biogenesis disorder 11A (Zellweger). Also called: Peroxisome biogenesis disorder 11A. Identifiers: Orphanet 912, MedGen C3554000, MONDO:0013949, OMIM 614883.

Submission:

Labcorp Genetics (formerly Invitae), Labcorp
Classification: Uncertain significance for Peroxisome biogenesis disorder 11A (Zellweger). Last evaluated: 2022-05-09. Review status: criteria provided, single submitter. Criteria: Invitae Variant Classification Sherloc (09022015). Collection method: clinical testing. Allele origin: germline.
Comment: This sequence change replaces methionine, which is neutral and non-polar, with threonine, which is neutral and polar, at codon 40 of the PEX13 protein (p.Met40Thr). This variant is not present in population databases (gnomAD no frequency). This variant has not been reported in the literature in individuals affected with PEX13-related conditions. Algorithms developed to predict the effect of missense changes on protein structure and function are either unavailable or do not agree on the potential impact of this missense change (SIFT: "Deleterious"; PolyPhen-2: "Benign"; Align-GVGD: "Class C0"). In summary, the available evidence is currently insufficient to determine the role of this variant in disease. Therefore, it has been classified as a Variant of Uncertain Significance.